The following is an entry in ClinVar:

ClinVar aggregate classification (germline): Uncertain significance (1 of 4 stars; one submission).

Conditions:
Polycystic kidney disease, adult type (PKD1). Also called: Polycystic Kidney Disease 1, Autosomal Dominant; Polycystic kidney disease 1; Polycystic kidney disease 1, severe; POLYCYSTIC KIDNEY DISEASE, ADULT, TYPE I; POLYCYSTIC KIDNEY DISEASE 1 WITH OR WITHOUT POLYCYSTIC LIVER DISEASE; Polycystic Kidney, Autosomal Dominant. Identifiers: MedGen C3149841, MONDO:0008263, OMIM 173900.

Submission:

Juno Genomics, Hangzhou Juno Genomics, Inc
Classification: Uncertain significance for Polycystic kidney disease, adult type. Review status: criteria provided, single submitter. Criteria: ACMG Guidelines, 2015. Collection method: clinical testing. Allele origin: germline.
Comment: Absent from controls (or at extremely low frequency if recessive) in Genome Aggregation Database.;Multiple lines of computational evidence support a deleterious effect on the gene or gene product.

NM_001009944.3(PKD1):c.3623T>G (p.Val1208Gly)

Gene: PKD1 (polycystin 1, transient receptor potential channel interacting; minus strand). Cytogenetic location: 16p13.3.
Variant type: single nucleotide variant.
Coding change: c.3623T>G on transcript NM_001009944.3 (MANE Select); coding-DNA position 3623, T replaced by G.
Protein change: p.Val1208Gly; replaces valine 1208 with glycine.
Molecular consequence: missense variant.
Genome position (GRCh38, 1-based): chr16:2,111,544, A>C on the plus strand (T>G on the coding strand, the complement: PKD1 is on the minus strand). VCF-style: chr16-2111544-A-C. GRCh37 (hg19) VCF-style: chr16-2161545-A-C.
Other names: c.3623T>G, p.Val1208Gly (NM_000296.4); short protein forms V1208G.
Identifiers: ClinVar variation 5019250 (VCV005019250.2).